The following is an entry in ClinVar:

NM_000038.6(APC):c.3912A>G (p.Ile1304Met)

Gene: APC (APC regulator of Wnt signaling pathway; plus strand). Cytogenetic location: 5q22.2.
Variant type: single nucleotide variant.
Coding change: c.3912A>G on transcript NM_000038.6 (MANE Select); coding-DNA position 3912, A replaced by G.
Protein change: p.Ile1304Met; replaces isoleucine 1304 with methionine.
Molecular consequence: missense variant.
Genome position (GRCh38, 1-based): chr5:112,839,506, A>G. VCF-style: chr5-112839506-A-G. GRCh37 (hg19) VCF-style: chr5-112175203-A-G.
Other names: c.3639A>G, p.Ile1213Met (NM_001354902.2); c.3609A>G, p.Ile1203Met (NM_001354903.2); c.3063A>G, p.Ile1021Met (NM_001354906.2); c.3534A>G, p.Ile1178Met (NM_001354904.2); c.3432A>G, p.Ile1144Met (NM_001354905.2); c.3912A>G, p.Ile1304Met (NM_001127510.3, NM_001354895.2); c.3858A>G, p.Ile1286Met (NM_001127511.3); c.3966A>G, p.Ile1322Met (NM_001354896.2); and 5 more; short protein forms I1286M, I1304M, I1279M, I1021M, I1178M, I1203M, I1213M, I1245M.
Identifiers: ClinVar variation 421415 (VCV000421415.9), dbSNP rs1064795120, ClinGen allele CA16029916.

ClinVar aggregate classification (germline): Uncertain significance. Review status: criteria provided, multiple submitters, no conflicts (2 of 4 stars). 4 submissions from 4 submitters: Uncertain significance (4). Last evaluated 2024-07-10.

Conditions:
Classic or attenuated familial adenomatous polyposis. Identifiers: MedGen CN372698, MONDO:0021057.
Hereditary cancer-predisposing syndrome. Also called: Hereditary neoplastic syndrome; Tumor predisposition; Neoplastic Syndromes, Hereditary; Hereditary Cancer Syndrome. Identifiers: Orphanet 140162, MedGen C0027672, MeSH D009386, MONDO:0015356.
Familial adenomatous polyposis 1 (FAP1). Also called: FAMILIAL ADENOMATOUS POLYPOSIS 1, ATTENUATED; POLYPOSIS, ADENOMATOUS INTESTINAL. Identifiers: MedGen C2713442, MONDO:0021056, OMIM 175100. Disease mechanism: loss of function.

Submissions (4):

All of Us Research Program, National Institutes of Health
Classification: Uncertain significance for Classic or attenuated familial adenomatous polyposis. Last evaluated: 2024-07-10. Review status: criteria provided, single submitter. Criteria: ACMG Guidelines, 2015. Collection method: clinical testing. Allele origin: germline. Inheritance: Autosomal dominant inheritance. Observed: 1 variant allele, 1 heterozygote.
Comment: This missense variant replaces isoleucine with methionine at codon 1304 of the APC protein. Computational prediction suggests that this variant may not impact protein structure and function (internally defined REVEL score threshold <= 0.5, PMID: 27666373). To our knowledge, functional studies have not been reported for this variant. This variant has not been reported in individuals affected with APC-related disorders in the literature. This variant has not been identified in the general population by the Genome Aggregation Database (gnomAD). The available evidence is insufficient to determine the role of this variant in disease conclusively. Therefore, this variant is classified as a Variant of Uncertain Significance.

This study involves interpretation of variants in research participants for the purpose of population health screening. Participant phenotype was not available at the time of variant classification. Additional details can be found in publication PMID: 35346344, PMCID: PMC8962531

Color Diagnostics, LLC DBA Color Health
Classification: Uncertain significance for Hereditary cancer-predisposing syndrome. Last evaluated: 2024-03-18. Review status: criteria provided, single submitter. Criteria: ACMG Guidelines, 2015. Collection method: clinical testing. Allele origin: germline.
Comment: This missense variant replaces isoleucine with methionine at codon 1304 of the APC protein. Computational prediction suggests that this variant may not impact protein structure and function (internally defined REVEL score threshold <= 0.5, PMID: 27666373). To our knowledge, functional studies have not been reported for this variant. This variant has not been reported in individuals affected with APC-related disorders in the literature. This variant has not been identified in the general population by the Genome Aggregation Database (gnomAD). The available evidence is insufficient to determine the role of this variant in disease conclusively. Therefore, this variant is classified as a Variant of Uncertain Significance.

Labcorp Genetics (formerly Invitae), Labcorp
Classification: Uncertain significance for Familial adenomatous polyposis 1. Last evaluated: 2022-01-31. Review status: criteria provided, single submitter. Criteria: Invitae Variant Classification Sherloc (09022015). Collection method: clinical testing. Allele origin: germline.
Comment: In summary, the available evidence is currently insufficient to determine the role of this variant in disease. Therefore, it has been classified as a Variant of Uncertain Significance. Algorithms developed to predict the effect of missense changes on protein structure and function (SIFT, PolyPhen-2, Align-GVGD) all suggest that this variant is likely to be tolerated. ClinVar contains an entry for this variant (Variation ID: 421415). This variant has not been reported in the literature in individuals affected with APC-related conditions. This variant is not present in population databases (gnomAD no frequency). This sequence change replaces isoleucine, which is neutral and non-polar, with methionine, which is neutral and non-polar, at codon 1304 of the APC protein (p.Ile1304Met).

GeneDx
Classification: Uncertain significance. Last evaluated: 2016-06-07. Review status: criteria provided, single submitter. Criteria: GeneDx Variant Classification (06012015). Collection method: clinical testing. Allele origin: germline. Affected: yes.
Comment: This variant is denoted APC c.3912A>G at the cDNA level, p.Ile1304Met (I1304M) at the protein level, and results in the change of an Isoleucine to a Methionine (ATA>ATG). This variant has not, to our knowledge, been published in the literature as pathogenic or benign. APC Ile1304Met was not observed in approximately 6,500 individuals of European and African American ancestry in the NHLBI Exome Sequencing Project, suggesting it is not a common benign variant in these populations. Since Isoleucine and Methionine share similar properties, this is considered a conservative amino acid substitution. APC Ile1304Met occurs at a position that is not conserved and is located in the 20-amino acid repeat b-catenin down-regulating domain (Azzopardi 2008). In silico analyses are inconsistent regarding the effect this variant may have on protein structure and function. Based on currently available evidence, it is unclear whether APC Ile1304Met is a pathogenic or benign variant. We consider it to be a variant of uncertain significance.